The following is an entry in ClinVar:

NM_182914.3(SYNE2):c.7190A>T (p.Glu2397Val)

Gene: SYNE2 (spectrin repeat containing nuclear envelope protein 2; plus strand). Cytogenetic location: 14q23.2.
Variant type: single nucleotide variant.
Coding change: c.7190A>T on transcript NM_182914.3 (MANE Select); coding-DNA position 7190, A replaced by T.
Protein change: p.Glu2397Val; replaces glutamic acid 2397 with valine.
Molecular consequence: missense variant.
Genome position (GRCh38, 1-based): chr14:64,031,326, A>T. VCF-style: chr14-64031326-A-T. GRCh37 (hg19) VCF-style: chr14-64498044-A-T.
Other names: c.7190A>T, p.Glu2397Val (NM_015180.6); short protein forms E2397V.
Identifiers: ClinVar variation 4711615 (VCV004711615.1).

ClinVar aggregate classification (germline): Uncertain significance (1 of 4 stars; one submission).

Conditions:
Emery-Dreifuss muscular dystrophy 5, autosomal dominant (EDMD5). Also called: EMERY-DREIFUSS MUSCULAR DYSTROPHY 5. Identifiers: Orphanet 261, MedGen C2751805, MONDO:0013072, OMIM 612999.

gnomAD v4.1: 6 of 1,613,238 alleles (0.00037%); highest among the groups gnomAD compares: Non-Finnish European, 0.00051%; no homozygotes.

Submission:

Labcorp Genetics (formerly Invitae), Labcorp
Classification: Uncertain significance for Emery-Dreifuss muscular dystrophy 5, autosomal dominant. Last evaluated: 2026-01-06. Review status: criteria provided, single submitter. Criteria: Invitae Variant Classification Sherloc (09022015). Collection method: clinical testing. Allele origin: germline.
Comment: This sequence change replaces glutamic acid, which is acidic and polar, with valine, which is neutral and non-polar, at codon 2397 of the SYNE2 protein (p.Glu2397Val). This variant is present in population databases (no rsID available, gnomAD 0.007%). This variant has not been reported in the literature in individuals affected with SYNE2-related conditions. An algorithm developed to predict the effect of missense changes on protein structure and function (PolyPhen-2) suggests that this variant is likely to be disruptive. In summary, the available evidence is currently insufficient to determine the role of this variant in disease. Therefore, it has been classified as a Variant of Uncertain Significance.